The following is an entry in ClinVar:

ClinVar aggregate classification (germline): Uncertain significance. Review status: criteria provided, single submitter (1 of 4 stars). 2 submissions from 2 submitters: Uncertain significance (1). 1 of the submissions does not count toward it. Last evaluated 2024-05-27.

Conditions:
Retinal dystrophy. Also called: Inherited retinal dystrophy. Identifiers: Orphanet 71862, MedGen C0854723, MeSH D058499, MONDO:0019118, HP:0000556.

gnomAD v4.1: 4 of 1,613,658 alleles (0.00025%); highest among the groups gnomAD compares: East Asian, 0.0067%; no homozygotes.

Submissions (2):

Labcorp Genetics (formerly Invitae), Labcorp
Classification: Uncertain significance. Last evaluated: 2024-05-27. Review status: criteria provided, single submitter. Criteria: Invitae Variant Classification Sherloc (09022015). Collection method: clinical testing. Allele origin: germline.
Comment: This sequence change replaces arginine, which is basic and polar, with glycine, which is neutral and non-polar, at codon 319 of the ZNF408 protein (p.Arg319Gly). This variant is present in population databases (rs752142818, gnomAD 0.006%). This variant has not been reported in the literature in individuals affected with ZNF408-related conditions. Algorithms developed to predict the effect of missense changes on protein structure and function output the following: SIFT: "Not Available"; PolyPhen-2: "Benign"; Align-GVGD: "Not Available". The glycine amino acid residue is found in multiple mammalian species, which suggests that this missense change does not adversely affect protein function. In summary, the available evidence is currently insufficient to determine the role of this variant in disease. Therefore, it has been classified as a Variant of Uncertain Significance.

Institute of Human Genetics, Univ. Regensburg, Univ. Regensburg
Classification: Uncertain significance for Retinal dystrophy. Last evaluated: 2023-01-01. Review status: no assertion criteria provided. Criteria: ACMG Guidelines, 2015. Collection method: clinical testing. Allele origin: germline. Affected: yes. Not counted in ClinVar's aggregate classification.

NM_024741.3(ZNF408):c.955A>G (p.Arg319Gly)

Gene: ZNF408 (zinc finger protein 408; plus strand). Cytogenetic location: 11p11.2.
Variant type: single nucleotide variant.
Coding change: c.955A>G on transcript NM_024741.3 (MANE Select); coding-DNA position 955, A replaced by G.
Protein change: p.Arg319Gly; replaces arginine 319 with glycine.
Molecular consequence: missense variant.
Genome position (GRCh38, 1-based): chr11:46,704,655, A>G. VCF-style: chr11-46704655-A-G. GRCh37 (hg19) VCF-style: chr11-46726205-A-G.
Other names: c.931A>G, p.Arg311Gly (NM_001184751.2); short protein forms R311G, R319G.
Identifiers: ClinVar variation 3249658 (VCV003249658.3).
Genomic context (GRCh38, chr11:46,704,655, plus strand): 5'-ACCCAGCCGCATGGCTACCTGGCCAAGAAGTTACACAGCCCCAGTGATCAGTGCCCACCC[A>G]GAGCAAAGACCCCAGAGCCTGGAGCCCAGCAGTCTGGCTTCCCTACACTCTCGCGGAGCC-3'
Protein context (NP_079017.1, residues 309-329): LHSPSDQCPP[Arg319Gly]AKTPEPGAQQ